The following is an entry in ClinVar:

NM_001267550.2(TTN):c.103640A>G (p.Lys34547Arg)

Genes: TTN (titin; minus strand), TTN-AS1 (TTN antisense RNA 1; plus strand). Cytogenetic location: 2q31.2.
Variant type: single nucleotide variant.
Coding change: c.103640A>G on transcript NM_001267550.2 (MANE Select); coding-DNA position 103640, A replaced by G.
Protein change: p.Lys34547Arg; replaces lysine 34547 with arginine.
Molecular consequence: missense variant.
Genome position (GRCh38, 1-based): chr2:178,532,975, T>C on the plus strand (A>G on the coding strand, the complement: TTN is on the minus strand). VCF-style: chr2-178532975-T-C. GRCh37 (hg19) VCF-style: chr2-179397702-T-C.
Other names: c.98717A>G, p.Lys32906Arg (NM_001256850.1); c.76445A>G, p.Lys25482Arg (NM_003319.4); c.95936A>G, p.Lys31979Arg (NM_133378.4); c.76820A>G, p.Lys25607Arg (NM_133432.3); c.77021A>G, p.Lys25674Arg (NM_133437.4); short protein forms K31979R, K25607R, K25674R, K32906R, K34547R, K25482R.
Identifiers: ClinVar variation 4998513 (VCV004998513.1).
Genomic context (GRCh38, chr2:178,532,975, plus strand): 5'-TCAGACATGGGCACGAACTGCTTGATGCGTTGGTCTTCTTCTATGGTAGTCTGCTTATAC[T>C]TGCGTGGCTCTGGTACATCATAAGGCATCCGGAGTTTTCTCTCCTCCTTCTTTTCTTCTA-3'
Protein context (NP_001254479.2, residues 34537-34557): RMPYDVPEPR[Lys34547Arg]YKQTTIEEDQ

ClinVar aggregate classification (germline): Uncertain significance (1 of 4 stars; one submission).

Conditions:
TTN-related disorder. Also called: TTN-related disorders; TTN-related condition; TTN-related disease.

Submission:

PreventionGenetics, part of Exact Sciences
Classification: Uncertain significance for TTN-related condition. Last evaluated: 2025-03-04. Review status: criteria provided, single submitter. Criteria: ACMG Guidelines, 2015. Collection method: clinical testing. Allele origin: germline.
Comment: The TTN c.103640A>G variant is predicted to result in the amino acid substitution p.Lys34547Arg. To our knowledge, this variant has not been reported in the literature or in a large population database (gnomAD), indicating this variant is rare. At this time, the clinical significance of this variant is uncertain due to the absence of conclusive functional and genetic evidence.